The following is an entry in ClinVar:

NM_001006658.3(CR2):c.1928G>A (p.Arg643His)

Gene: CR2 (complement C3d receptor 2; plus strand). Cytogenetic location: 1q32.2.
Variant type: single nucleotide variant.
Coding change: c.1928G>A on transcript NM_001006658.3 (MANE Select); coding-DNA position 1928, G replaced by A.
Protein change: p.Arg643His; replaces arginine 643 with histidine.
Molecular consequence: missense variant.
Genome position (GRCh38, 1-based): chr1:207,473,129, G>A. VCF-style: chr1-207473129-G-A. GRCh37 (hg19) VCF-style: chr1-207646474-G-A.
Other names: c.1928G>A, p.Arg643His (NM_001877.5); short protein forms R643H.
Identifiers: ClinVar variation 1360807 (VCV001360807.6), dbSNP rs748735321, ClinGen allele CA1368826.

ClinVar aggregate classification (germline): Uncertain significance (1 of 4 stars; one submission).

Conditions:
Immunodeficiency, common variable, 7. Identifiers: Orphanet 1572, Orphanet 696894, MedGen C3542922, MONDO:0013862, OMIM 614699.

Allele frequency attached by ClinVar (database versions not stated): gnomAD 0.00003 and 0.00004; TOPMed 0.00003; ExAC 0.00004; gnomAD exomes 0.00003.
gnomAD v4.1: 22 of 1,613,828 alleles (0.0014%); highest among the groups gnomAD compares: Admixed American, 0.0083%; no homozygotes.

Submission:

Labcorp Genetics (formerly Invitae), Labcorp
Classification: Uncertain significance for Immunodeficiency, common variable, 7. Last evaluated: 2023-12-07. Review status: criteria provided, single submitter. Criteria: Invitae Variant Classification Sherloc (09022015). Collection method: clinical testing. Allele origin: germline.
Comment: This sequence change replaces arginine, which is basic and polar, with histidine, which is basic and polar, at codon 643 of the CR2 protein (p.Arg643His). This variant is present in population databases (rs748735321, gnomAD 0.01%). This variant has not been reported in the literature in individuals affected with CR2-related conditions. ClinVar contains an entry for this variant (Variation ID: 1360807). An algorithm developed to predict the effect of missense changes on protein structure and function (PolyPhen-2) suggests that this variant is likely to be disruptive. In summary, the available evidence is currently insufficient to determine the role of this variant in disease. Therefore, it has been classified as a Variant of Uncertain Significance.